The following is an entry in ClinVar:

ClinVar aggregate classification (germline): Uncertain significance (1 of 4 stars; one submission).

Allele frequency attached by ClinVar (database versions not stated): gnomAD exomes 0.00001; ExAC 0.00002; TOPMed 0.00008; gnomAD 0.00012 and 0.00014.

Submission:

Labcorp Genetics (formerly Invitae), Labcorp
Classification: Uncertain significance. Last evaluated: 2025-07-30. Review status: criteria provided, single submitter. Criteria: Invitae Variant Classification Sherloc (09022015). Collection method: clinical testing. Allele origin: germline.
Comment: This sequence change replaces arginine, which is basic and polar, with glutamine, which is neutral and polar, at codon 963 of the DUOX2 protein (p.Arg963Gln). This variant is present in population databases (rs766056568, gnomAD 0.05%). This variant has not been reported in the literature in individuals affected with DUOX2-related conditions. ClinVar contains an entry for this variant (Variation ID: 1476629). Invitae Evidence Modeling of protein sequence and biophysical properties (such as structural, functional, and spatial information, amino acid conservation, physicochemical variation, residue mobility, and thermodynamic stability) indicates that this missense variant is not expected to disrupt DUOX2 protein function with a negative predictive value of 80%. In summary, the available evidence is currently insufficient to determine the role of this variant in disease. Therefore, it has been classified as a Variant of Uncertain Significance.

NM_001363711.2(DUOX2):c.2888G>A (p.Arg963Gln)

Gene: DUOX2 (dual oxidase 2; minus strand). Cytogenetic location: 15q21.1.
Variant type: single nucleotide variant.
Coding change: c.2888G>A on transcript NM_001363711.2 (MANE Select); coding-DNA position 2888, G replaced by A.
Protein change: p.Arg963Gln; replaces arginine 963 with glutamine.
Molecular consequence: missense variant.
Genome position (GRCh38, 1-based): chr15:45,101,238, C>T on the plus strand (G>A on the coding strand, the complement: DUOX2 is on the minus strand). VCF-style: chr15-45101238-C-T. GRCh37 (hg19) VCF-style: chr15-45393436-C-T.
Other names: c.2888G>A, p.Arg963Gln (NM_014080.5); short protein forms R963Q.
Identifiers: ClinVar variation 1476629 (VCV001476629.7), dbSNP rs766056568, ClinGen allele CA7538102.
Genomic context (GRCh38, chr15:45,101,238, plus strand): 5'-ACCTGCCAGAGCCCCATTCCTGCTCACCGCTCCCCAGGTGTCCGAGTGATGAACGAGACT[C>T]GACAGCTGATGTTTTGTTTAAAGATATCTCTAATACCTAGAGAAAAGAACAAGAGGCAGG-3'
Protein context (NP_001350640.1, residues 953-973): RDIFKQNISC[Arg963Gln]VSFITRTPGE